The following is an entry in ClinVar:

ClinVar aggregate classification (germline): Benign/Likely benign. Review status: criteria provided, multiple submitters, no conflicts (2 of 4 stars). 7 submissions from 7 submitters: Benign (2); Likely benign (5). Last evaluated 2026-07-01.

Conditions:
Inborn genetic diseases. Identifiers: MedGen C0950123, MeSH D030342.
Developmental and epileptic encephalopathy, 36 (DEE36). Also called: Epileptic encephalopathy, early infantile, 36; Congenital disorder of glycosylation, type Is; ALG13-CDG. Identifiers: Orphanet 324422, MedGen C4317295, MONDO:0010472, OMIM 300884.

Allele frequency attached by ClinVar (database versions not stated): gnomAD 0.00006 and 0.00007; ExAC 0.00008; TOPMed 0.00008; gnomAD exomes 0.00017; 1000 Genomes Project 30x 0.00021; 1000 Genomes Project 0.00026.
gnomAD v4.1: 43 of 1,211,182 alleles (0.0036%); highest among the groups gnomAD compares: Admixed American, 0.085%; no homozygotes.

Submissions (7):

CeGaT Center for Human Genetics Tuebingen
Classification: Likely benign. Last evaluated: 2026-07-01. Review status: criteria provided, single submitter. Criteria: CeGaT Center For Human Genetics Tuebingen Variant Classification Criteria Version 2. Collection method: clinical testing. Allele origin: germline. Affected: yes. Observed: 1 variant allele.
Comment: ALG13: BS2

Women's Health and Genetics/Laboratory Corporation of America, LabCorp
Classification: Likely benign. Last evaluated: 2026-03-09. Review status: criteria provided, single submitter. Criteria: LabCorp Variant Classification Summary - May 2015. Collection method: clinical testing. Allele origin: germline.
Comment: Variant summary: ALG13 c.42C>A (p.Asp14Glu) results in a conservative amino acid change in the encoded protein sequence. Algorithms developed to predict the effect of missense changes on protein structure and function all suggest that this variant is likely to be tolerated. The variant allele was found at a frequency of 0.00017 in 183190 control chromosomes, predominantly at a frequency of 0.0011 within the Latino subpopulation in the gnomAD database. The observed variant frequency within Latino control individuals in the gnomAD database exceeds the estimated maximal expected allele frequency for disease-causing variants in ALG13. To our knowledge, no occurrence of c.42C>A in individuals affected with ALG13-related conditions and no experimental evidence demonstrating its impact on protein function have been reported. ClinVar contains an entry for this variant (Variation ID: 517036). Based on the evidence outlined above, the variant was classified as likely benign.

Labcorp Genetics (formerly Invitae), Labcorp
Classification: Benign for Developmental and epileptic encephalopathy, 36. Last evaluated: 2025-03-19. Review status: criteria provided, single submitter. Criteria: Invitae Variant Classification Sherloc (09022015). Collection method: clinical testing. Allele origin: germline.

Ambry Genetics
Classification: Likely benign for Inborn genetic diseases. Last evaluated: 2024-03-31. Review status: criteria provided, single submitter. Criteria: Ambry Variant Classification Scheme 2023. Collection method: clinical testing. Allele origin: germline.

Genome-Nilou Lab
Classification: Benign for Developmental and epileptic encephalopathy, 36. Last evaluated: 2021-12-05. Review status: criteria provided, single submitter. Criteria: ACMG Guidelines, 2015. Collection method: clinical testing. Allele origin: germline. Affected: no.

Fulgent Genetics
Classification: Likely benign for Developmental and epileptic encephalopathy, 36. Last evaluated: 2021-08-16. Review status: criteria provided, single submitter. Criteria: ACMG Guidelines, 2015. Collection method: clinical testing. Allele origin: unknown.

GeneDx
Classification: Likely benign. Last evaluated: 2017-11-24. Review status: criteria provided, single submitter. Criteria: GeneDx Variant Classification (06012015). Collection method: clinical testing. Allele origin: germline. Affected: yes.
Comment: This variant is considered likely benign or benign based on one or more of the following criteria: it is a conservative change, it occurs at a poorly conserved position in the protein, it is predicted to be benign by multiple in silico algorithms, and/or has population frequency not consistent with disease.

NM_001099922.3(ALG13):c.42C>A (p.Asp14Glu)

Gene: ALG13 (ALG13 UDP-N-acetylglucosaminyltransferase subunit; plus strand). Cytogenetic location: Xq23.
Variant type: single nucleotide variant.
Coding change: c.42C>A on transcript NM_001099922.3 (MANE Select); coding-DNA position 42, C replaced by A.
Protein change: p.Asp14Glu; replaces aspartic acid 14 with glutamic acid.
Molecular consequence: missense variant. On other transcripts: 5 prime UTR variant (9), non-coding transcript variant (3).
Genome position (GRCh38, 1-based): chrX:111,681,260, C>A. VCF-style: chrX-111681260-C-A. GRCh37 (hg19) VCF-style: chrX-110924488-C-A.
Other names: c.42C>A, p.Asp14Glu (NM_001039210.5, NM_001168385.3, NM_001324290.2 and 2 more transcripts); c.-167C>A (NM_001257230.2, NM_001324291.2); c.-259C>A (NM_001257231.2, NM_001257241.3); c.-292C>A (NM_001257234.2, NM_001257235.3); c.-396C>A (NM_001257237.2, NM_001257240.3, NM_001324293.1); short protein forms D14E.
Identifiers: ClinVar variation 517036 (VCV000517036.14), dbSNP rs200293248, ClinGen allele CA10493423.